The following is an entry in ClinVar:

NM_015192.4(PLCB1):c.1915A>G (p.Met639Val)

Gene: PLCB1 (phospholipase C beta 1; plus strand). Cytogenetic location: 20p12.3.
Variant type: single nucleotide variant.
Coding change: c.1915A>G on transcript NM_015192.4 (MANE Select); coding-DNA position 1915, A replaced by G.
Protein change: p.Met639Val; replaces methionine 639 with valine.
Molecular consequence: missense variant.
Genome position (GRCh38, 1-based): chr20:8,733,264, A>G. VCF-style: chr20-8733264-A-G. GRCh37 (hg19) VCF-style: chr20-8713911-A-G.
Other names: c.1915A>G, p.Met639Val (NM_182734.3); short protein forms M639V.
Identifiers: ClinVar variation 1782571 (VCV001782571.4), dbSNP rs2515293963, ClinGen allele CA408205404.

ClinVar aggregate classification (germline): Uncertain significance. Review status: criteria provided, multiple submitters, no conflicts (2 of 4 stars). 2 submissions from 2 submitters: Uncertain significance (2). Last evaluated 2025-08-13.

Conditions:
Inborn genetic diseases. Identifiers: MedGen C0950123, MeSH D030342.

Submissions (2):

GeneDx
Classification: Uncertain significance. Last evaluated: 2025-08-13. Review status: criteria provided, single submitter. Criteria: GeneDx Variant Classification Process June 2021. Collection method: clinical testing. Allele origin: germline. Affected: yes.
Comment: Not observed at significant frequency in large population cohorts (gnomAD); In silico analysis suggests that this missense variant does not alter protein structure/function; Has not been previously published as pathogenic or benign to our knowledge

Ambry Genetics
Classification: Uncertain significance for Inborn genetic diseases. Last evaluated: 2024-07-09. Review status: criteria provided, single submitter. Criteria: Ambry Variant Classification Scheme 2023. Collection method: clinical testing. Allele origin: germline.